The following is an entry in ClinVar:

ClinVar aggregate classification (germline): Conflicting classifications of pathogenicity. Review status: criteria provided, conflicting classifications (1 of 4 stars). 3 submissions from 3 submitters: Likely pathogenic (1); Uncertain significance (2). Last evaluated 2024-10-29.

Conditions:
Cardiovascular phenotype. Identifiers: MedGen CN230736.
Arrhythmogenic right ventricular dysplasia 10. Also called: Arrhythmogenic right ventricular dysplasia/cardiomyopathy, type 10; Arrhythmogenic Right Ventricular Dysplasia/Cardiomyopathy10; ARRHYTHMOGENIC RIGHT VENTRICULAR DYSPLASIA, FAMILIAL, 10. Identifiers: MedGen C1857777, MONDO:0012434, OMIM 610193.

gnomAD v4.1: 3 of 1,614,006 alleles (0.00019%); highest among the groups gnomAD compares: African/African-American, 0.004%; no homozygotes.

Submissions (3):

Labcorp Genetics (formerly Invitae), Labcorp
Classification: Uncertain significance for Arrhythmogenic right ventricular dysplasia 10. Last evaluated: 2024-10-29. Review status: criteria provided, single submitter. Criteria: Invitae Variant Classification Sherloc (09022015). Collection method: clinical testing. Allele origin: germline.
Comment: This sequence change replaces arginine, which is basic and polar, with leucine, which is neutral and non-polar, at codon 292 of the DSG2 protein (p.Arg292Leu). The frequency data for this variant in the population databases is considered unreliable, as metrics indicate poor data quality at this position in the gnomAD database. This variant has not been reported in the literature in individuals affected with DSG2-related conditions. ClinVar contains an entry for this variant (Variation ID: 199802). Invitae Evidence Modeling of protein sequence and biophysical properties (such as structural, functional, and spatial information, amino acid conservation, physicochemical variation, residue mobility, and thermodynamic stability) has been performed for this missense variant. However, the output from this modeling did not meet the statistical confidence thresholds required to predict the impact of this variant on DSG2 protein function. In summary, the available evidence is currently insufficient to determine the role of this variant in disease. Therefore, it has been classified as a Variant of Uncertain Significance.

Ambry Genetics
Classification: Uncertain significance for Cardiovascular phenotype. Last evaluated: 2023-08-08. Review status: criteria provided, single submitter. Criteria: Ambry Variant Classification Scheme 2023. Collection method: clinical testing. Allele origin: germline.
Comment: The p.R292L variant (also known as c.875G>T), located in coding exon 8 of the DSG2 gene, results from a G to T substitution at nucleotide position 875. The arginine at codon 292 is replaced by leucine, an amino acid with dissimilar properties. This amino acid position is highly conserved in available vertebrate species. In addition, this alteration is predicted to be deleterious by in silico analysis. Since supporting evidence is limited at this time, the clinical significance of this alteration remains unclear.

GeneDx
Classification: Likely pathogenic. Last evaluated: 2012-10-12. Review status: criteria provided, single submitter. Criteria: GeneDx Variant Classification (06012015). Collection method: clinical testing. Allele origin: germline. Affected: yes.
Comment: p.Arg292Leu (CGC>CTC):c.875 G>T in exon 8 of the DSG2 gene (NM_001943.3). The Arg292Leu variant in the DSG2 gene has not been reported as a disease-causing mutation or as a benign polymorphism to our knowledge. Arg292Leu results in a non-conservative amino acid substitution of a positively charged Arginine with a non-polar Leucine at a position that is conserved across species. A mutation at the same codon (Arg292Cys) and mutations in nearby residues (Lys294Glu, Asp297Gly) have been reported in association with ARVC, further supporting the functional importance of this codon and this region of the protein. In silico analysis predicts Arg292Leu is probably damaging to the protein structure/function. Furthermore, the NHLBI ESP Exome Variant Server reports Arg292Leu was not observed in approximately 6000 samples from individuals of European and African American backgrounds, indicating it is not a common benign variant in these populations. In summary, Arg292Leu is a good candidate for a disease-causing mutation.The variant is found in ARVC panel(s).

NM_001943.5(DSG2):c.875G>T (p.Arg292Leu)

Gene: DSG2 (desmoglein 2; plus strand). Cytogenetic location: 18q12.1.
Variant type: single nucleotide variant.
Coding change: c.875G>T on transcript NM_001943.5 (MANE Select); coding-DNA position 875, G replaced by T.
Protein change: p.Arg292Leu; replaces arginine 292 with leucine.
Molecular consequence: missense variant.
Genome position (GRCh38, 1-based): chr18:31,524,749, G>T. VCF-style: chr18-31524749-G-T. GRCh37 (hg19) VCF-style: chr18-29104712-G-T.
Other names: p.R292L:CGC>CTC; c.875G>T (LRG_397t1); short protein forms R292L.
Identifiers: ClinVar variation 199802 (VCV000199802.11), dbSNP rs185821167, ClinGen allele CA022332.